The following is an entry in ClinVar:

ClinVar aggregate classification (germline): Uncertain significance (1 of 4 stars; one submission).

Allele frequency attached by ClinVar (database versions not stated): gnomAD exomes below 0.00001; gnomAD 0.00001.
gnomAD v4.1: 2 of 1,613,350 alleles (0.00012%); highest among the groups gnomAD compares: Admixed American, 0.0033%; no homozygotes.

Submission:

Labcorp Genetics (formerly Invitae), Labcorp
Classification: Uncertain significance. Last evaluated: 2024-01-10. Review status: criteria provided, single submitter. Criteria: Invitae Variant Classification Sherloc (09022015). Collection method: clinical testing. Allele origin: germline.
Comment: This sequence change replaces aspartic acid, which is acidic and polar, with glycine, which is neutral and non-polar, at codon 690 of the IL6ST protein (p.Asp690Gly). This variant is present in population databases (no rsID available, gnomAD no frequency). This variant has not been reported in the literature in individuals affected with IL6ST-related conditions. An algorithm developed to predict the effect of missense changes on protein structure and function (PolyPhen-2) suggests that this variant is likely to be disruptive. In summary, the available evidence is currently insufficient to determine the role of this variant in disease. Therefore, it has been classified as a Variant of Uncertain Significance.

NM_002184.4(IL6ST):c.2069A>G (p.Asp690Gly)

Gene: IL6ST (interleukin 6 cytokine family signal transducer; minus strand). Cytogenetic location: 5q11.2.
Variant type: single nucleotide variant.
Coding change: c.2069A>G on transcript NM_002184.4 (MANE Select); coding-DNA position 2069, A replaced by G.
Protein change: p.Asp690Gly; replaces aspartic acid 690 with glycine.
Molecular consequence: missense variant. On other transcripts: 3 prime UTR variant (1), non-coding transcript variant (2).
Genome position (GRCh38, 1-based): chr5:55,941,770, T>C on the plus strand (A>G on the coding strand, the complement: IL6ST is on the minus strand). VCF-style: chr5-55941770-T-C. GRCh37 (hg19) VCF-style: chr5-55237598-T-C.
Other names: c.1886A>G, p.Asp629Gly (NM_001190981.2); c.1967A>G, p.Asp656Gly (NM_001364275.2); c.1859A>G, p.Asp620Gly (NM_001364276.2); c.1202A>G, p.Asp401Gly (NM_001364277.2); c.1166A>G, p.Asp389Gly (NM_001364278.2); c.1073A>G, p.Asp358Gly (NM_001364279.2); c.*996A>G (NM_175767.3); short protein forms D389G, D629G, D690G, D358G, D656G, D401G, D620G.
Identifiers: ClinVar variation 2706158 (VCV002706158.3), dbSNP rs1210887003, ClinGen allele CA359780064.
Genomic context (GRCh38, chr5:55,941,770, plus strand): 5'-GATTTCAGATCTTCTGGAAAAGGCTTTTTGTCATTTGCTTCTATTTCCACAACACTTACA[T>C]CAGTGAAATTGCCATCTGAATACATTTGATCTTTTGAATTAAAATTGTGCTAAGGAAGAG-3'
Protein context (NP_002175.2, residues 680-700): DQMYSDGNFT[Asp690Gly]VSVVEIEAND